The following is an entry in ClinVar:

ClinVar aggregate classification (germline): Likely benign. Review status: criteria provided, multiple submitters, no conflicts (2 of 4 stars). 2 submissions from 2 submitters: Likely benign (2). Last evaluated 2026-07-07.

Conditions:
Rhabdoid tumor predisposition syndrome 2 (RTPS2). Identifiers: Orphanet 231108, Orphanet 69077, MedGen C2750074, MONDO:0013224, OMIM 613325.

Submissions (2):

Myriad Genetics, Inc.
Classification: Likely benign for Rhabdoid tumor predisposition syndrome 2. Last evaluated: 2026-07-07. Review status: criteria provided, single submitter. Criteria: Myriad Autosomal Dominant, Autosomal Recessive and X-Linked Classification Criteria (2023). Collection method: clinical testing. Allele origin: unknown.
Comment: This variant is considered likely benign. This variant is intronic and is not expected to impact mRNA splicing.

Labcorp Genetics (formerly Invitae), Labcorp
Classification: Likely benign for Rhabdoid tumor predisposition syndrome 2. Last evaluated: 2022-11-23. Review status: criteria provided, single submitter. Criteria: Invitae Variant Classification Sherloc (09022015). Collection method: clinical testing. Allele origin: germline.

NM_003072.5(SMARCA4):c.2973+7dup

Gene: SMARCA4 (SWI/SNF related BAF chromatin remodeling complex subunit ATPase 4; plus strand). Cytogenetic location: 19p13.2.
Variant type: Duplication.
Coding change: c.2973+7dup on transcript NM_003072.5 (MANE Select); 7 bases into the intron after coding-DNA position 2973, one base duplicated (G; older notation c.2973+7dupG).
Molecular consequence: intron variant.
Genome position (GRCh38, 1-based): chr19:11,023,638, G duplicated; the last of 2 consecutive G bases (chr19:11,023,637-11,023,638); duplicating either gives the same sequence. VCF-style (leftmost placement, unchanged base first): chr19-11023636-T-TG. GRCh37 (hg19) VCF-style: chr19-11134312-T-TG.
Other names: c.2973+7dup (NM_001128844.3, NM_001128849.3, NM_001128847.4 and 5 more transcripts).
Identifiers: ClinVar variation 1584356 (VCV001584356.9), dbSNP rs1447526930, ClinGen allele CA2573155568.